The following is an entry in ClinVar:

NM_024700.4(SNIP1):c.184C>T (p.Arg62Cys)

Genes: SNIP1 (Smad nuclear interacting protein 1; minus strand), LOC129930156 (ATAC-STARR-seq lymphoblastoid silent region 673; plus strand). Cytogenetic location: 1p34.3.
Variant type: single nucleotide variant.
Coding change: c.184C>T on transcript NM_024700.4 (MANE Select); coding-DNA position 184, C replaced by T.
Protein change: p.Arg62Cys; replaces arginine 62 with cysteine.
Molecular consequence: missense variant.
Genome position (GRCh38, 1-based): chr1:37,554,046, G>A on the plus strand (C>T on the coding strand, the complement: SNIP1 is on the minus strand). VCF-style: chr1-37554046-G-A. GRCh37 (hg19) VCF-style: chr1-38019647-G-A.
Other names: short protein forms R62C.
Identifiers: ClinVar variation 1377105 (VCV001377105.8), dbSNP rs754074059, ClinGen allele CA771415.

ClinVar aggregate classification (germline): Uncertain significance (1 of 4 stars; one submission).

Allele frequency attached by ClinVar (database versions not stated): gnomAD 0.00001; gnomAD exomes 0.00003; TOPMed 0.00003; ExAC 0.00010.
gnomAD v4.1: 38 of 1,585,706 alleles (0.0024%); highest among the groups gnomAD compares: East Asian, 0.0069%; no homozygotes.

Submission:

Labcorp Genetics (formerly Invitae), Labcorp
Classification: Uncertain significance. Last evaluated: 2025-02-12. Review status: criteria provided, single submitter. Criteria: Invitae Variant Classification Sherloc (09022015). Collection method: clinical testing. Allele origin: germline.
Comment: This sequence change replaces arginine, which is basic and polar, with cysteine, which is neutral and slightly polar, at codon 62 of the SNIP1 protein (p.Arg62Cys). The frequency data for this variant in the population databases is considered unreliable, as metrics indicate poor data quality at this position in the gnomAD database. This variant has not been reported in the literature in individuals affected with SNIP1-related conditions. ClinVar contains an entry for this variant (Variation ID: 1377105). An algorithm developed to predict the effect of missense changes on protein structure and function (PolyPhen-2) suggests that this variant is likely to be disruptive. In summary, the available evidence is currently insufficient to determine the role of this variant in disease. Therefore, it has been classified as a Variant of Uncertain Significance.